The following is an entry in ClinVar:

ClinVar aggregate classification (germline): Likely benign. Review status: criteria provided, multiple submitters, no conflicts (2 of 4 stars). 2 submissions from 2 submitters: Likely benign (2). Last evaluated 2025-12-19.

Conditions:
Emery-Dreifuss muscular dystrophy 4, autosomal dominant (EDMD4). Also called: EMERY-DREIFUSS MUSCULAR DYSTROPHY 4 WITH VARIABLE FEATURES. Identifiers: Orphanet 261, MedGen C2751807, MONDO:0013071, OMIM 612998.
Autosomal recessive ataxia, Beauce type. Also called: SYNE1 Deficiency; Spinocerebellar ataxia, autosomal recessive 8; ATAXIA, RECESSIVE, OF BEAUCE; SYNE1-Related Autosomal Recessive Cerebellar Ataxia. Identifiers: Orphanet 88644, MedGen C1853116, MONDO:0012549, OMIM 610743.

Allele frequency attached by ClinVar (database versions not stated): gnomAD exomes 0.00006 and 0.00025; gnomAD 0.00009 and 0.00010; ExAC 0.00010; TOPMed 0.00010; ESP Exome Variant Server 0.00031.

Submissions (2):

Labcorp Genetics (formerly Invitae), Labcorp
Classification: Likely benign for Emery-Dreifuss muscular dystrophy 4, autosomal dominant; Autosomal recessive ataxia, Beauce type. Last evaluated: 2025-12-19. Review status: criteria provided, single submitter. Criteria: Invitae Variant Classification Sherloc (09022015). Collection method: clinical testing. Allele origin: germline.

GeneDx
Classification: Likely benign. Last evaluated: 2017-12-28. Review status: criteria provided, single submitter. Criteria: GeneDx Variant Classification (06012015). Collection method: clinical testing. Allele origin: germline. Affected: yes.
Comment: This variant is considered likely benign or benign based on one or more of the following criteria: it is a conservative change, it occurs at a poorly conserved position in the protein, it is predicted to be benign by multiple in silico algorithms, and/or has population frequency not consistent with disease.

NM_182961.4(SYNE1):c.14956-14T>C

Gene: SYNE1 (spectrin repeat containing nuclear envelope protein 1; minus strand). Cytogenetic location: 6q25.2.
Variant type: single nucleotide variant.
Coding change: c.14956-14T>C on transcript NM_182961.4 (MANE Select); 14 bases into the intron before coding-DNA position 14956, T replaced by C.
Molecular consequence: intron variant.
Genome position (GRCh38, 1-based): chr6:152,326,647, A>G on the plus strand (T>C on the coding strand, the complement: SYNE1 is on the minus strand). VCF-style: chr6-152326647-A-G. GRCh37 (hg19) VCF-style: chr6-152647782-A-G.
Other names: c.14743-14T>C (NM_033071.5).
Identifiers: ClinVar variation 514279 (VCV000514279.8), dbSNP rs368344443, ClinGen allele CA4055900.